The following is an entry in ClinVar:

ClinVar aggregate classification (germline): Uncertain significance. Review status: criteria provided, multiple submitters, no conflicts (2 of 4 stars). 2 submissions from 2 submitters: Uncertain significance (2). Last evaluated 2025-02-17.

Conditions:
Frontotemporal dementia (FTD1). Also called: Dementia, frontotemporal, with or without parkinsonism; Frontotemporal Dementia with Parkinsonism-17 (FTDP-17); FRONTOTEMPORAL DEMENTIA WITH PARKINSONISM; FRONTOTEMPORAL LOBE DEMENTIA; MULTIPLE SYSTEM TAUOPATHY WITH PRESENILE DEMENTIA; FRONTOTEMPORAL LOBAR DEGENERATION WITH TAU INCLUSIONS. Identifiers: Orphanet 282, MedGen C0338451, MONDO:0017276, OMIM 600274, HP:0002145.
MAPT-related disorder. Also called: MAPT-Related Disorders; MAPT-related condition.

Allele frequency attached by ClinVar (database versions not stated): gnomAD exomes 0.00002 and 0.00003; gnomAD 0.00003; TOPMed 0.00003; ExAC 0.00004; ESP Exome Variant Server 0.00008.
gnomAD v4.1: 48 of 1,610,148 alleles (0.003%); highest among the groups gnomAD compares: Non-Finnish European, 0.0036%; no homozygotes.

Submissions (2):

PreventionGenetics, part of Exact Sciences
Classification: Uncertain significance for MAPT-related condition. Last evaluated: 2025-02-17. Review status: criteria provided, single submitter. Criteria: ACMG Guidelines, 2015. Collection method: clinical testing. Allele origin: germline.
Comment: The MAPT c.271G>A variant is predicted to result in the amino acid substitution p.Ala91Thr. To our knowledge, this variant has not been reported in the literature. This variant is reported in 0.0051% of alleles in individuals of East Asian descent in gnomAD. At this time, the clinical significance of this variant is uncertain due to the absence of conclusive functional and genetic evidence.

Labcorp Genetics (formerly Invitae), Labcorp
Classification: Uncertain significance for Frontotemporal dementia. Last evaluated: 2024-02-19. Review status: criteria provided, single submitter. Criteria: Invitae Variant Classification Sherloc (09022015). Collection method: clinical testing. Allele origin: germline.
Comment: This sequence change replaces alanine, which is neutral and non-polar, with threonine, which is neutral and polar, at codon 91 of the MAPT protein (p.Ala91Thr). This variant is present in population databases (rs371071165, gnomAD 0.005%). This variant has not been reported in the literature in individuals affected with MAPT-related conditions. ClinVar contains an entry for this variant (Variation ID: 662109). Algorithms developed to predict the effect of missense changes on protein structure and function output the following: SIFT: "Not Available"; PolyPhen-2: "Benign"; Align-GVGD: "Not Available". The threonine amino acid residue is found in multiple mammalian species, which suggests that this missense change does not adversely affect protein function. In summary, the available evidence is currently insufficient to determine the role of this variant in disease. Therefore, it has been classified as a Variant of Uncertain Significance.

NM_001377265.1(MAPT):c.220+2490G>A

Gene: MAPT (microtubule associated protein tau). Cytogenetic location: 17q21.31.
Variant type: single nucleotide variant.
Coding change: c.220+2490G>A on transcript NM_001377265.1 (MANE Select); 2490 bases into the intron after coding-DNA position 220, G replaced by A.
Molecular consequence: intron variant. On other transcripts: missense variant (4).
Genome position (GRCh38, 1-based): chr17:45,974,435, G>A. VCF-style: chr17-45974435-G-A. GRCh37 (hg19) VCF-style: chr17-44051801-G-A.
Other names: c.271G>A (NM_001123066.3); c.271G>A, p.Ala91Thr (NM_001123066.4, NM_001203252.2, NM_005910.6 and 1 more transcripts); c.134-3940G>A (NM_001377268.1, NM_016834.5, NM_016841.5); c.220+2490G>A (NM_001377266.1, NM_001123067.4, NM_001203251.2 and 1 more transcripts); short protein forms A91T.
Identifiers: ClinVar variation 662109 (VCV000662109.10), dbSNP rs371071165, ClinGen allele CA8617591.
Genomic context (GRCh38, chr17:45,974,435, plus strand): 5'-TGGTTTCTAGATGTGACAGCACCCTTAGTGGATGAGGGAGCTCCCGGCAAGCAGGCTGCC[G>A]CGCAGCCCCACACGGAGATCCCAGAAGGAACCACAGGTGAGGGTAAGCCCCAGAGACCCC-3'